The following is an entry in ClinVar:

NM_003922.4(HERC1):c.946C>T (p.Arg316Trp)

Gene: HERC1 (HECT and RLD domain containing E3 ubiquitin protein ligase family member 1; minus strand). Cytogenetic location: 15q22.31.
Variant type: single nucleotide variant.
Coding change: c.946C>T on transcript NM_003922.4 (MANE Select); coding-DNA position 946, C replaced by T.
Protein change: p.Arg316Trp; replaces arginine 316 with tryptophan.
Molecular consequence: missense variant.
Genome position (GRCh38, 1-based): chr15:63,764,176, G>A on the plus strand (C>T on the coding strand, the complement: HERC1 is on the minus strand). VCF-style: chr15-63764176-G-A. GRCh37 (hg19) VCF-style: chr15-64056375-G-A.
Other names: short protein forms R316W.
Identifiers: ClinVar variation 3105350 (VCV003105350.2), dbSNP rs780715048, ClinGen allele CA392805418.
Genomic context (GRCh38, chr15:63,764,176, plus strand): 5'-CTGCCTCGTAAAGGGAGCACAAGCCATCCGATGTTCTGGTTGGTTCTCTCCACTGACTCC[G>A]ATCAGCAGATGAACCCTATAATTAAAACATTGCGGGACACAGCGTAGGAAGGGGAGAGAC-3'
Protein context (NP_003913.3, residues 306-326): MRRSLGSSAD[Arg316Trp]SQWREPTRTS

ClinVar aggregate classification (germline): Uncertain significance. Review status: criteria provided, multiple submitters, no conflicts (2 of 4 stars). 2 submissions from 2 submitters: Uncertain significance (2). Last evaluated 2025-05-30.

Conditions:
Inborn genetic diseases. Identifiers: MedGen C0950123, MeSH D030342.

Allele frequency attached by ClinVar (database versions not stated): gnomAD 0.00001; TOPMed 0.00001.

Submissions (2):

GeneDx
Classification: Uncertain significance. Last evaluated: 2025-05-30. Review status: criteria provided, single submitter. Criteria: GeneDx Variant Classification Process June 2021. Collection method: clinical testing. Allele origin: germline. Affected: yes.
Comment: Identified in one patient from a cohort of adult individuals with schizophrenia who underwent genome sequencing (PMID: 33526774); Not observed at significant frequency in large population cohorts (gnomAD); In silico analysis supports that this missense variant has a deleterious effect on protein structure/function; This variant is associated with the following publications: (PMID: 33526774)

Ambry Genetics
Classification: Uncertain significance for Inborn genetic diseases. Last evaluated: 2024-01-30. Review status: criteria provided, single submitter. Criteria: Ambry Variant Classification Scheme 2023. Collection method: clinical testing. Allele origin: germline.